The following is an entry in ClinVar:

ClinVar aggregate classification (germline): Uncertain significance (1 of 4 stars; one submission).

Conditions:
Familial thoracic aortic aneurysm and aortic dissection (TAAD). Also called: Thoracic aortic aneurysms and dissections. Identifiers: Orphanet 91387, MedGen C4707243, MONDO:0019625.

Allele frequency attached by ClinVar (database versions not stated): gnomAD exomes below 0.00001; TOPMed below 0.00001; ESP Exome Variant Server 0.00008.
gnomAD v4.1: 1 of 1,612,004 alleles (0.000062%); highest among the groups gnomAD compares: African/African-American, 0.0013%; no homozygotes.

Submission:

Color Diagnostics, LLC DBA Color Health
Classification: Uncertain significance for Familial thoracic aortic aneurysm and aortic dissection. Last evaluated: 2023-12-05. Review status: criteria provided, single submitter. Criteria: ACMG Guidelines, 2015. Collection method: clinical testing. Allele origin: germline.
Comment: This missense variant replaces glutamic acid with glutamine at codon 1237 of the MYH11 protein. Computational prediction tools and conservation analyses suggest that this variant may have deleterious impact on the protein function. Computational splicing tools suggest that this variant may not impact RNA splicing. To our knowledge, functional assays have not been performed for this variant nor has this variant been reported in individuals affected with cardiovascular disorders in the literature. This variant has been identified in 1/251148 chromosomes in the general population by the Genome Aggregation Database (gnomAD). Available evidence is insufficient to determine the role of this variant in disease conclusively. Therefore, this variant is classified as a Variant of Uncertain Significance.

NM_002474.3(MYH11):c.3688G>C (p.Glu1230Gln)

Gene: MYH11 (myosin heavy chain 11; minus strand). Cytogenetic location: 16p13.11.
Variant type: single nucleotide variant.
Coding change: c.3688G>C on transcript NM_002474.3 (MANE Select); coding-DNA position 3688, G replaced by C.
Protein change: p.Glu1230Gln; replaces glutamic acid 1230 with glutamine.
Molecular consequence: missense variant.
Genome position (GRCh38, 1-based): chr16:15,727,018, C>G on the plus strand (G>C on the coding strand, the complement: MYH11 is on the minus strand). VCF-style: chr16-15727018-C-G. GRCh37 (hg19) VCF-style: chr16-15820875-C-G.
Other names: c.3709G>C, p.Glu1237Gln (NM_001040113.2, NM_001040114.2); c.3688G>C, p.Glu1230Gln (NM_022844.3); short protein forms E1237Q, E1230Q.
Identifiers: ClinVar variation 920880 (VCV000920880.5), dbSNP rs141948303, ClinGen allele CA278609855.